The following is an entry in ClinVar:

NM_000051.4(ATM):c.8276C>A (p.Pro2759His)

Genes: ATM (ATM serine/threonine kinase; plus strand), C11orf65 (chromosome 11 open reading frame 65; minus strand). Cytogenetic location: 11q22.3.
Variant type: single nucleotide variant.
Coding change: c.8276C>A on transcript NM_000051.4 (MANE Select); coding-DNA position 8276, C replaced by A.
Protein change: p.Pro2759His; replaces proline 2759 with histidine.
Molecular consequence: missense variant. On other transcripts: intron variant (2).
Genome position (GRCh38, 1-based): chr11:108,343,229, C>A. VCF-style: chr11-108343229-C-A. GRCh37 (hg19) VCF-style: chr11-108213956-C-A.
Other names: c.8276C>A, p.Pro2759His (NM_001351834.2); c.641-34158G>T (NM_001330368.2); c.695-7937G>T (NM_001351110.2); short protein forms P2759H.
Identifiers: ClinVar variation 858298 (VCV000858298.12), dbSNP rs2087807752, ClinGen allele CA382516296.
Genomic context (GRCh38, chr11:108,343,229, plus strand): 5'-AATGCTCTTTAATGGCCTTTTAAAATTAAAAGGTATTTAATCTGTAACTCCAGGTGGTTC[C>A]CCTCTCTCAGCGAAGTGGTGTTCTTGAATGGTGCACAGGAACTGTCCCCATTGGTGAATT-3'
Protein context (NP_000042.3, residues 2749-2769): KLTICTYKVV[Pro2759His]LSQRSGVLEW

ClinVar aggregate classification (germline): Uncertain significance. Review status: criteria provided, multiple submitters, no conflicts (2 of 4 stars). 2 submissions from 2 submitters: Uncertain significance (2). Last evaluated 2025-10-29.

Conditions:
Hereditary cancer-predisposing syndrome. Also called: Tumor predisposition; Neoplastic Syndromes, Hereditary; Hereditary Cancer Syndrome; Hereditary neoplastic syndrome. Identifiers: Orphanet 140162, MedGen C0027672, MeSH D009386, MONDO:0015356.
Ataxia-telangiectasia syndrome (AT). Also called: ATAXIA-TELANGIECTASIA, COMPLEMENTATION GROUP A; ATAXIA-TELANGIECTASIA, FRESNO VARIANT; Ataxia-telangiectasia; Ataxia-telangiectasia, complementation group D; AT, COMPLEMENTATION GROUP C; Ataxia-telangiectasia, complementation group E. Identifiers: Orphanet 100, MedGen C0004135, MONDO:0008840, OMIM 208900.

Submissions (2):

Ambry Genetics
Classification: Uncertain significance for Hereditary cancer-predisposing syndrome. Last evaluated: 2025-10-29. Review status: criteria provided, single submitter. Criteria: Ambry Variant Classification Scheme 2023. Collection method: clinical testing. Allele origin: germline.
Comment: The p.P2759H variant (also known as c.8276C>A), located in coding exon 56 of the ATM gene, results from a C to A substitution at nucleotide position 8276. The proline at codon 2759 is replaced by histidine, an amino acid with similar properties. This amino acid position is highly conserved in available vertebrate species. In addition, this alteration is predicted to be deleterious by in silico analysis. Based on the available evidence, the clinical significance of this variant remains unclear.

Labcorp Genetics (formerly Invitae), Labcorp
Classification: Uncertain significance for Ataxia-telangiectasia syndrome. Last evaluated: 2025-04-16. Review status: criteria provided, single submitter. Criteria: Invitae Variant Classification Sherloc (09022015). Collection method: clinical testing. Allele origin: germline.
Comment: This sequence change replaces proline, which is neutral and non-polar, with histidine, which is basic and polar, at codon 2759 of the ATM protein (p.Pro2759His). This variant is not present in population databases (gnomAD no frequency). This variant has not been reported in the literature in individuals affected with ATM-related conditions. ClinVar contains an entry for this variant (Variation ID: 858298). Invitae Evidence Modeling of protein sequence and biophysical properties (such as structural, functional, and spatial information, amino acid conservation, physicochemical variation, residue mobility, and thermodynamic stability) indicates that this missense variant is expected to disrupt ATM protein function with a positive predictive value of 95%. In summary, the available evidence is currently insufficient to determine the role of this variant in disease. Therefore, it has been classified as a Variant of Uncertain Significance.